The following is an entry in ClinVar:

ClinVar aggregate classification (germline): Uncertain significance (1 of 4 stars; one submission).

Conditions:
Deficiency of ferroxidase (ACEP). Also called: Aceruloplasminemia; NEURODEGENERATION WITH BRAIN IRON ACCUMULATION 10; Deficiency of ceruloplasmin; Ceruloplasmin deficiency; Familial apoceruloplasmin deficiency; Hereditary ceruloplasmin deficiency. Identifiers: Orphanet 48818, MedGen C0878682, MONDO:0011426, OMIM 604290, HP:0025498.

Allele frequency attached by ClinVar (database versions not stated): gnomAD exomes below 0.00001; gnomAD 0.00001; TOPMed 0.00001; ExAC 0.00002.
gnomAD v4.1: 7 of 1,614,092 alleles (0.00043%); highest among the groups gnomAD compares: South Asian, 0.0011%; no homozygotes.

Submission:

Labcorp Genetics (formerly Invitae), Labcorp
Classification: Uncertain significance for Deficiency of ferroxidase. Last evaluated: 2022-03-17. Review status: criteria provided, single submitter. Criteria: Invitae Variant Classification Sherloc (09022015). Collection method: clinical testing. Allele origin: germline.
Comment: In summary, the available evidence is currently insufficient to determine the role of this variant in disease. Therefore, it has been classified as a Variant of Uncertain Significance. Advanced modeling of protein sequence and biophysical properties (such as structural, functional, and spatial information, amino acid conservation, physicochemical variation, residue mobility, and thermodynamic stability) performed at Invitae indicates that this missense variant is expected to disrupt CP protein function. This variant has not been reported in the literature in individuals affected with CP-related conditions. This variant is present in population databases (rs747577917, gnomAD 0.003%). This sequence change replaces glycine, which is neutral and non-polar, with arginine, which is basic and polar, at codon 639 of the CP protein (p.Gly639Arg).

NM_000096.4(CP):c.1915G>A (p.Gly639Arg)

Gene: CP (ceruloplasmin; minus strand). Cytogenetic location: 3q24.
Variant type: single nucleotide variant.
Coding change: c.1915G>A on transcript NM_000096.4 (MANE Select); coding-DNA position 1915, G replaced by A.
Protein change: p.Gly639Arg; replaces glycine 639 with arginine.
Molecular consequence: missense variant.
Genome position (GRCh38, 1-based): chr3:149,186,682, C>T on the plus strand (G>A on the coding strand, the complement: CP is on the minus strand). VCF-style: chr3-149186682-C-T. GRCh37 (hg19) VCF-style: chr3-148904469-C-T.
Other names: short protein forms G639R.
Identifiers: ClinVar variation 1979440 (VCV001979440.2), dbSNP rs747577917, ClinGen allele CA2660886.